The following is an entry in ClinVar:

NM_001330288.2(SMARCC2):c.1555C>T (p.Arg519Ter)

Gene: SMARCC2 (SWI/SNF related BAF chromatin remodeling complex subunit C2; minus strand). Cytogenetic location: 12q13.2.
Variant type: single nucleotide variant.
Coding change: c.1555C>T on transcript NM_001330288.2 (MANE Select); coding-DNA position 1555, C replaced by T.
Protein change: p.Arg519Ter; replaces arginine 519 with a stop codon.
Molecular consequence: nonsense.
Genome position (GRCh38, 1-based): chr12:56,173,791, G>A on the plus strand (C>T on the coding strand, the complement: SMARCC2 is on the minus strand). VCF-style: chr12-56173791-G-A. GRCh37 (hg19) VCF-style: chr12-56567575-G-A.
Other names: c.1555C>T, p.Arg519Ter (NM_001130420.3, NM_003075.5, NM_139067.4); short protein forms R519*.
Identifiers: ClinVar variation 3907738 (VCV003907738.1).

ClinVar aggregate classification (germline): Pathogenic (1 of 4 stars; one submission).

Submission:

GeneDx
Classification: Pathogenic. Last evaluated: 2024-12-31. Review status: criteria provided, single submitter. Criteria: GeneDx Variant Classification Process June 2021. Collection method: clinical testing. Allele origin: germline. Affected: yes.
Comment: Nonsense variant predicted to result in protein truncation or nonsense mediated decay in a gene for which loss of function is a known mechanism of disease; Not observed at significant frequency in large population cohorts (gnomAD); This variant is associated with the following publications: (PMID: 28263302, 36368308, 35982159, 24476948)